The following is an entry in ClinVar:

ClinVar aggregate classification (germline): Uncertain significance (1 of 4 stars; one submission).

Allele frequency attached by ClinVar (database versions not stated): ExAC 0.00002; gnomAD 0.00007; gnomAD exomes 0.00008; ESP Exome Variant Server 0.00015.
gnomAD v4.1: 135 of 1,613,806 alleles (0.0084%); highest among the groups gnomAD compares: Middle Eastern, 0.016%; no homozygotes.

Submission:

Labcorp Genetics (formerly Invitae), Labcorp
Classification: Uncertain significance. Last evaluated: 2022-09-27. Review status: criteria provided, single submitter. Criteria: Invitae Variant Classification Sherloc (09022015). Collection method: clinical testing. Allele origin: germline.
Comment: In summary, the available evidence is currently insufficient to determine the role of this variant in disease. Therefore, it has been classified as a Variant of Uncertain Significance. Algorithms developed to predict the effect of missense changes on protein structure and function output the following: SIFT: "Not Available"; PolyPhen-2: "Benign"; Align-GVGD: "Not Available". The lysine amino acid residue is found in multiple mammalian species, which suggests that this missense change does not adversely affect protein function. This variant has not been reported in the literature in individuals affected with SLC44A4-related conditions. This variant is present in population databases (rs11551744, gnomAD 0.005%). This sequence change replaces glutamic acid, which is acidic and polar, with lysine, which is basic and polar, at codon 11 of the SLC44A4 protein (p.Glu11Lys).

NM_025257.3(SLC44A4):c.31G>A (p.Glu11Lys)

Genes: EHMT2-AS1 (EHMT2 and SLC44A4 antisense RNA 1; plus strand), SLC44A4 (solute carrier family 44 member 4; minus strand). Cytogenetic location: 6p21.33.
Variant type: single nucleotide variant.
Coding change: c.31G>A on transcript NM_025257.3 (MANE Select); coding-DNA position 31, G replaced by A.
Protein change: p.Glu11Lys; replaces glutamic acid 11 with lysine.
Molecular consequence: missense variant.
Genome position (GRCh38, 1-based): chr6:31,878,950, C>T on the plus strand (G>A on the coding strand, the complement: SLC44A4 is on the minus strand). VCF-style: chr6-31878950-C-T. GRCh37 (hg19) VCF-style: chr6-31846727-C-T.
Other names: c.31G>A, p.Glu11Lys (NM_001178044.2, NM_032794.1); short protein forms E11K.
Identifiers: ClinVar variation 1908734 (VCV001908734.5), dbSNP rs11551744, ClinGen allele CA3725875.
Genomic context (GRCh38, chr6:31,878,950, plus strand): 5'-TACCCGTCCTCCCCTCCCTCCACAGGGTCCCGGGCCTCGCCCCAGTCTCACCGTAGGCCT[C>T]GTCATCCTCGTCCCGCTGCTTTCCCCCCATGGCTCAGTCTCCGGAGTGATTGGAGCCCTG-3'
Protein context (NP_079533.2, residues 1-21): MGGKQRDEDD[Glu11Lys]AYGKPVKYDP